The following is an entry in ClinVar:

Conditions:
Breast-ovarian cancer, familial, susceptibility to, 1 (BROVCA1). Also called: BRCA1 Hereditary Breast and Ovarian Cancer; OVARIAN CANCER, SUSCEPTIBILITY TO. Identifiers: Orphanet 145, MedGen C2676676, MONDO:0011450, OMIM 604370. Disease mechanism: loss of function.

Submission:

Brotman Baty Institute, University of Washington
No classification provided (evidence only). Condition: Breast-ovarian cancer, familial 1. Review status: no classification provided. Collection method: in vitro. Allele origin: not applicable. Functional consequence: functionally_normal.
ClinVar note: "not provided" was previously submitted as the classification for the variant. However, the classification appeared to be based only on an observation of functional data so it was converted to no classification on 2025-07-30.

NM_007294.4(BRCA1):c.5071A>T (p.Thr1691Ser)

Gene: BRCA1 (BRCA1 DNA repair associated; minus strand). Cytogenetic location: 17q21.31.
Variant type: single nucleotide variant.
Coding change: c.5071A>T on transcript NM_007294.4 (MANE Select); coding-DNA position 5071, A replaced by T.
Protein change: p.Thr1691Ser; replaces threonine 1691 with serine.
Molecular consequence: missense variant. On other transcripts: non-coding transcript variant (1).
Genome position (GRCh38, 1-based): chr17:43,067,611, T>A on the plus strand (A>T on the coding strand, the complement: BRCA1 is on the minus strand). VCF-style: chr17-43067611-T-A. GRCh37 (hg19) VCF-style: chr17-41219628-T-A.
Other names: c.4927A>T, p.Thr1643Ser (NM_001407746.1, NM_001407747.1, NM_001407748.1 and 21 more transcripts); c.4924A>T, p.Thr1642Ser (NM_001407849.1, NM_001407850.1, NM_001407851.1 and 12 more transcripts); c.5071A>T, p.Thr1691Ser (NM_001407854.1, NM_001407593.1, NM_001407594.1 and 8 more transcripts); c.5068A>T, p.Thr1690Ser (NM_001407858.1, NM_001407859.1, NM_001407860.1 and 17 more transcripts); c.4861A>T, p.Thr1621Ser (NM_001407886.1, NM_001407887.1, NM_001407889.1 and 5 more transcripts); c.4858A>T, p.Thr1620Ser (NM_001407894.1, NM_001407895.1, NM_001407896.1 and 12 more transcripts); c.4855A>T, p.Thr1619Ser (NM_001407917.1, NM_001407918.1, NM_001407915.1 and 1 more transcripts); c.4948A>T, p.Thr1650Ser (NM_001407919.1, NM_001407937.1, NM_001407938.1 and 6 more transcripts); and 70 more; short protein forms T1644S, T1712S, T587S, T1691S, T1394S, T1579S, T1580S, T1603S.
Identifiers: ClinVar variation 868985 (VCV000868985.3), dbSNP rs397509219, ClinGen allele CA10591377.